The following is an entry in ClinVar:

NM_001159699.2(FHL1):c.413G>C (p.Trp138Ser)

Gene: FHL1 (four and a half LIM domains 1; plus strand). Cytogenetic location: Xq26.3.
Variant type: single nucleotide variant.
Coding change: c.413G>C on transcript NM_001159699.2 (MANE Select); coding-DNA position 413, G replaced by C.
Protein change: p.Trp138Ser; replaces tryptophan 138 with serine.
Molecular consequence: missense variant. On other transcripts: non-coding transcript variant (1).
Genome position (GRCh38, 1-based): chrX:136,207,825, G>C. VCF-style: chrX-136207825-G-C. GRCh37 (hg19) VCF-style: chrX-135289984-G-C.
Other names: c.365G>C, p.Trp122Ser (NM_001159700.2, NM_001159702.3, NM_001159703.2 and 9 more transcripts); c.452G>C, p.Trp151Ser (NM_001159701.2); c.413G>C, p.Trp138Ser (NM_001330659.2); short protein forms W122S, W138S, W151S.
Identifiers: ClinVar variation 11547 (VCV000011547.10), dbSNP rs122458140, ClinGen allele CA210529.

ClinVar aggregate classification (germline): Pathogenic. Review status: criteria provided, multiple submitters, no conflicts (2 of 4 stars). 3 submissions from 3 submitters: Pathogenic (2). 1 of the submissions does not count toward it. Last evaluated 2025-11-04.

Conditions:
X-linked scapuloperoneal muscular dystrophy. Also called: SCAPULOPERONEAL MYOPATHY, FHL1-RELATED. Identifiers: Orphanet 431272, MedGen C2678061, MONDO:0010400, OMIM 300695.
X-linked myopathy with postural muscle atrophy. Also called: FHL1-Related Emery-Dreifuss Muscular Dystrophy, X-Linked. Identifiers: Orphanet 178461, MedGen C2678055, MONDO:0010401, OMIM 300696.

Submissions (3):

Labcorp Genetics (formerly Invitae), Labcorp
Classification: Pathogenic for X-linked myopathy with postural muscle atrophy. Last evaluated: 2025-11-04. Review status: criteria provided, single submitter. Criteria: Invitae Variant Classification Sherloc (09022015). Collection method: clinical testing. Allele origin: germline.
Comment: This sequence change replaces tryptophan, which is neutral and slightly polar, with serine, which is neutral and polar, at codon 122 of the FHL1 protein (p.Trp122Ser). This variant is not present in population databases (gnomAD no frequency). This missense change has been observed in individual(s) with scapuloperoneal myopathy (PMID: 18179901). It has also been observed to segregate with disease in related individuals. ClinVar contains an entry for this variant (Variation ID: 11547). An algorithm developed to predict the effect of missense changes on protein structure and function (PolyPhen-2) suggests that this variant is likely to be disruptive. Experimental studies have shown that this missense change affects FHL1 function (PMID: 25274776). This variant disrupts the p.Trp122 amino acid residue in FHL1. Other variant(s) that disrupt this residue have been determined to be pathogenic (PMID: 20633900). This suggests that this residue is clinically significant, and that variants that disrupt this residue are likely to be disease-causing. For these reasons, this variant has been classified as Pathogenic.

GeneDx
Classification: Pathogenic. Last evaluated: 2019-08-27. Review status: criteria provided, single submitter. Criteria: GeneDx Variant Classification Process June 2021. Collection method: clinical testing. Allele origin: germline. Affected: yes.
Comment: Published functional studies demonstrate a damaging effect showing reduced myoblast fusion and differentiation (Wilding et al., 2014); In vivo study in mice demonstrated that p.W122S mutation in Fhl1 induces a late-onset mild myopathy with loss of the protein at advanced ages in hemizygous male which is similar to human patients with late-onset muscle weakness (Emmanuele et al., 2015); Not observed in large population cohorts (Lek et al., 2016); In silico analysis, which includes protein predictors and evolutionary conservation, supports a deleterious effect; A different missense change at this residue (W122C) has been reported in ClinVar (Landrum et al., 2016); This variant is associated with the following publications: (PMID: 18179901, 19181672, 20874719, 20633900, 24634512, 25274776, 30260394)

OMIM
Classification: Pathogenic for SCAPULOPERONEAL MYOPATHY, X-LINKED DOMINANT. Last evaluated: 2015-02-01. Review status: no assertion criteria provided. Collection method: literature only. Allele origin: germline. Not counted in ClinVar's aggregate classification.

Literature cited by the submitters: PubMed 18179901 (cited by Labcorp Genetics (formerly Invitae), Labcorp and OMIM); PubMed 25274776 (cited by Labcorp Genetics (formerly Invitae), Labcorp and OMIM); PubMed 20633900 (cited by Labcorp Genetics (formerly Invitae), Labcorp); PubMed 19181672 (cited by OMIM); PubMed 30260394 (cited by OMIM).